The following is an entry in ClinVar:

NM_000388.4(CASR):c.747_749del (p.Glu251del)

Gene: CASR (calcium sensing receptor; plus strand). Cytogenetic location: 3q21.1.
Variant type: Deletion.
Coding change: c.747_749del on transcript NM_000388.4 (MANE Select); coding-DNA positions 747 to 749, 3 bases deleted (GGA; older notation c.747_749delGGA).
Protein change: p.Glu251del; deletes glutamic acid 251.
Molecular consequence: inframe deletion.
Genome position (GRCh38, 1-based): chr3:122,261,782-122,261,784, GGA deleted; deleting any 3 consecutive bases within chr3:122,261,780-122,261,784 gives the same sequence; the c. name uses the placement nearest the transcript's 3' end. VCF-style (leftmost placement, unchanged base first): chr3-122261779-TGAG-T. GRCh37 (hg19) VCF-style: chr3-121980626-TGAG-T.
Other names: c.747_749del, p.Glu251del (NM_001178065.2); short protein forms E251del.
Identifiers: ClinVar variation 2414286 (VCV002414286.5), dbSNP rs2074626300, ClinGen allele CA1397873058.
Genomic context (GRCh38, chr3:122,261,779, plus strand): 5'-GGAAGCTGAGGAAAGGGATATCTGCATCGACTTCAGTGAACTCATCTCCCAGTACTCTGA[TGAG>T]GAAGAGATCCAGCATGTGGTAGAGGTGATTCAAAATTCCACGGCCAAAGTCATCGTGGTT-3'

ClinVar aggregate classification (germline): Uncertain significance (1 of 4 stars; one submission).

Conditions:
Familial hypocalciuric hypercalcemia (FHH). Also called: Familial benign hypercalcemia. Identifiers: Orphanet 405, MedGen C1809471, MONDO:0018458.
Autosomal dominant hypocalcemia 1 (HYPOC1). Also called: HYPOCALCEMIA, FAMILIAL. Identifiers: MedGen C3715128, MONDO:0011013, OMIM 601198.

Submission:

Labcorp Genetics (formerly Invitae), Labcorp
Classification: Uncertain significance for Familial hypocalciuric hypercalcemia; Autosomal dominant hypocalcemia 1. Last evaluated: 2022-02-01. Review status: criteria provided, single submitter. Criteria: Invitae Variant Classification Sherloc (09022015). Collection method: clinical testing. Allele origin: germline.
Comment: Experimental studies and prediction algorithms are not available or were not evaluated, and the functional significance of this variant is currently unknown. In summary, the available evidence is currently insufficient to determine the role of this variant in disease. Therefore, it has been classified as a Variant of Uncertain Significance. This variant has not been reported in the literature in individuals affected with CASR-related conditions. This variant is not present in population databases (gnomAD no frequency). This variant, c.747_749del, results in the deletion of 1 amino acid(s) of the CASR protein (p.Glu251del), but otherwise preserves the integrity of the reading frame.